The following is an entry in ClinVar:

ClinVar aggregate classification (germline): Uncertain significance (1 of 4 stars; one submission).

Allele frequency attached by ClinVar (database versions not stated): gnomAD exomes below 0.00001 and 0.00002.
gnomAD v4.1: 2 of 1,531,432 alleles (0.00013%); highest among the groups gnomAD compares: Admixed American, 0.0039%; no homozygotes.

Submission:

Labcorp Genetics (formerly Invitae), Labcorp
Classification: Uncertain significance. Last evaluated: 2022-10-24. Review status: criteria provided, single submitter. Criteria: Invitae Variant Classification Sherloc (09022015). Collection method: clinical testing. Allele origin: germline.
Comment: In summary, the available evidence is currently insufficient to determine the role of this variant in disease. Therefore, it has been classified as a Variant of Uncertain Significance. Algorithms developed to predict the effect of missense changes on protein structure and function are either unavailable or do not agree on the potential impact of this missense change (SIFT: "Deleterious"; PolyPhen-2: "Not Available"; Align-GVGD: "Class C0"). ClinVar contains an entry for this variant (Variation ID: 1474977). This variant has not been reported in the literature in individuals affected with PDZD7-related conditions. This variant is present in population databases (no rsID available, gnomAD 0.008%). This sequence change replaces alanine, which is neutral and non-polar, with valine, which is neutral and non-polar, at codon 927 of the PDZD7 protein (p.Ala927Val).

NM_001195263.2(PDZD7):c.2780C>T (p.Ala927Val)

Gene: PDZD7 (PDZ domain containing 7; minus strand). Cytogenetic location: 10q24.31.
Variant type: single nucleotide variant.
Coding change: c.2780C>T on transcript NM_001195263.2 (MANE Select); coding-DNA position 2780, C replaced by T.
Protein change: p.Ala927Val; replaces alanine 927 with valine.
Molecular consequence: missense variant.
Genome position (GRCh38, 1-based): chr10:101,008,789, G>A on the plus strand (C>T on the coding strand, the complement: PDZD7 is on the minus strand). VCF-style: chr10-101008789-G-A. GRCh37 (hg19) VCF-style: chr10-102768546-G-A.
Other names: short protein forms A927V.
Identifiers: ClinVar variation 1474977 (VCV001474977.6), dbSNP rs944897041, ClinGen allele CA378223357.